The following is an entry in ClinVar:

NM_030632.3(ASXL3):c.3130A>G (p.Ser1044Gly)

Gene: ASXL3 (ASXL transcriptional regulator 3; plus strand). Cytogenetic location: 18q12.1.
Variant type: single nucleotide variant.
Coding change: c.3130A>G on transcript NM_030632.3 (MANE Select); coding-DNA position 3130, A replaced by G.
Protein change: p.Ser1044Gly; replaces serine 1044 with glycine.
Molecular consequence: missense variant.
Genome position (GRCh38, 1-based): chr18:33,742,978, A>G. VCF-style: chr18-33742978-A-G. GRCh37 (hg19) VCF-style: chr18-31322942-A-G.
Other names: c.3130A>G (NM_030632.2); short protein forms S1044G.
Identifiers: ClinVar variation 2352949 (VCV002352949.20), dbSNP rs199810689, ClinGen allele CA8934031.

ClinVar aggregate classification (germline): Likely benign. Review status: criteria provided, multiple submitters, no conflicts (2 of 4 stars). 4 submissions from 4 submitters: Likely benign (3). 1 of the submissions does not count toward it. Last evaluated 2024-08-01.

Conditions:
ASXL3-related disorder. Also called: ASXL3-related condition. Identifiers: MedGen CN381524.
Inborn genetic diseases. Identifiers: MedGen C0950123, MeSH D030342.

Allele frequency attached by ClinVar (database versions not stated): gnomAD 0.00018; TOPMed 0.00021; ExAC 0.00029; ESP Exome Variant Server 0.00033.
gnomAD v4.1: 351 of 1,613,746 alleles (0.022%); highest among the groups gnomAD compares: Non-Finnish European, 0.005%; 3 homozygotes.

Submissions (4):

CeGaT Center for Human Genetics Tuebingen
Classification: Likely benign. Last evaluated: 2024-08-01. Review status: criteria provided, single submitter. Criteria: CeGaT Center For Human Genetics Tuebingen Variant Classification Criteria Version 2. Collection method: clinical testing. Allele origin: germline. Affected: yes. Observed: 1 variant allele.
Comment: ASXL3: BP4

Blueprint Genetics
Classification: Likely benign. Last evaluated: 2024-04-05. Review status: criteria provided, single submitter. Criteria: ACMG Guidelines, 2015. Collection method: clinical testing. Allele origin: germline.

Ambry Genetics
Classification: Likely benign for Inborn genetic diseases. Last evaluated: 2021-11-23. Review status: criteria provided, single submitter. Criteria: Ambry Variant Classification Scheme 2023. Collection method: clinical testing. Allele origin: germline.

PreventionGenetics, part of Exact Sciences
Classification: Benign for ASXL3-related condition. Last evaluated: 2019-07-30. Review status: no assertion criteria provided. Collection method: clinical testing. Allele origin: germline. Not counted in ClinVar's aggregate classification.
Comment: This variant is classified as benign based on ACMG/AMP sequence variant interpretation guidelines (Richards et al. 2015 PMID: 25741868, with internal and published modifications).